The following is an entry in ClinVar:

NM_015166.4(MLC1):c.959C>T (p.Thr320Met)

Gene: MLC1 (modulator of VRAC current 1; minus strand). Cytogenetic location: 22q13.33.
Variant type: single nucleotide variant.
Coding change: c.959C>T on transcript NM_015166.4 (MANE Select); coding-DNA position 959, C replaced by T.
Protein change: p.Thr320Met; replaces threonine 320 with methionine.
Molecular consequence: missense variant. On other transcripts: non-coding transcript variant (3).
Genome position (GRCh38, 1-based): chr22:50,064,134, G>A on the plus strand (C>T on the coding strand, the complement: MLC1 is on the minus strand). VCF-style: chr22-50064134-G-A. GRCh37 (hg19) VCF-style: chr22-50502563-G-A.
Other names: c.959C>T, p.Thr320Met (NM_001376472.1, NM_001376473.1, NM_001376474.1 and 5 more transcripts); c.902C>T, p.Thr301Met (NM_001376479.1); c.869C>T, p.Thr290Met (NM_001376480.1); c.857C>T, p.Thr286Met (NM_001376481.1); c.803C>T, p.Thr268Met (NM_001376482.1, NM_001376483.1); c.722C>T, p.Thr241Met (NM_001376484.1); c.959C>T (NM_015166.3); short protein forms T241M, T268M, T286M, T290M, T301M, T320M.
Identifiers: ClinVar variation 2421764 (VCV002421764.4), dbSNP rs281875313, ClinGen allele CA10303285.

ClinVar aggregate classification (germline): Uncertain significance. Review status: criteria provided, multiple submitters, no conflicts (2 of 4 stars). 2 submissions from 2 submitters: Uncertain significance (2). Last evaluated 2023-03-20.

Allele frequency attached by ClinVar (database versions not stated): ExAC 0.00002; gnomAD 0.00003; TOPMed 0.00004.
gnomAD v4.1: 54 of 1,609,082 alleles (0.0034%); highest among the groups gnomAD compares: African/African-American, 0.0067%; no homozygotes.

Submissions (2):

GeneDx
Classification: Uncertain significance. Last evaluated: 2023-03-20. Review status: criteria provided, single submitter. Criteria: GeneDx Variant Classification Process June 2021. Collection method: clinical testing. Allele origin: germline. Affected: yes.
Comment: In silico analysis supports that this missense variant does not alter protein structure/function; Has not been previously published as pathogenic or benign to our knowledge

Labcorp Genetics (formerly Invitae), Labcorp
Classification: Uncertain significance. Last evaluated: 2022-04-15. Review status: criteria provided, single submitter. Criteria: Invitae Variant Classification Sherloc (09022015). Collection method: clinical testing. Allele origin: germline.
Comment: This sequence change replaces threonine, which is neutral and polar, with methionine, which is neutral and non-polar, at codon 320 of the MLC1 protein (p.Thr320Met). This variant is present in population databases (rs281875313, gnomAD 0.004%). This variant has not been reported in the literature in individuals affected with MLC1-related conditions. Algorithms developed to predict the effect of missense changes on protein structure and function are either unavailable or do not agree on the potential impact of this missense change (SIFT: "Deleterious"; PolyPhen-2: "Probably Damaging"; Align-GVGD: "Class C0"). In summary, the available evidence is currently insufficient to determine the role of this variant in disease. Therefore, it has been classified as a Variant of Uncertain Significance.